The following is an entry in ClinVar:

NM_005676.5(RBM10):c.2095AAG[1] (p.Lys700del)

Gene: RBM10 (RNA binding motif protein 10; plus strand). Cytogenetic location: Xp11.3.
Variant type: Microsatellite.
Coding change: c.2095AAG[1] on transcript NM_005676.5 (MANE Select); one copy of the 3-base unit AAG starting at c.2095; the reference has two copies in a row; one copy, 3 bases deleted; also written c.2098_2100del.
Protein change: p.Lys700del; deletes lysine 700.
Genome position (GRCh38, 1-based): chrX:47,185,202-47,185,204, AAG deleted; deleting any 3 consecutive bases within chrX:47,185,197-47,185,204 gives the same sequence; the position shown is the placement nearest the transcript's 3' end. VCF-style (leftmost placement, unchanged base first): chrX-47185196-GAGA-G. GRCh37 (hg19) VCF-style: chrX-47044595-GAGA-G.
Other names: c.2098_2100del (NM_005676.5); c.1864AAG[1], p.Lys623del (NM_001204466.2); c.2092AAG[1], p.Lys699del (NM_001204467.2); c.2290AAG[1], p.Lys765del (NM_001204468.2); c.2287AAG[1], p.Lys764del (NM_001440861.1); c.2059AAG[1], p.Lys688del (NM_001440862.1); c.2056AAG[1], p.Lys687del (NM_001440863.1); c.1861AAG[1], p.Lys622del (NM_152856.3); short protein forms K622del, K623del, K687del, K688del, K699del, K700del, K764del, K765del.
Identifiers: ClinVar variation 5018925 (VCV005018925.2).
Genomic context (GRCh38, chrX:47,185,196, plus strand): 5'-TCCCTGCGAGATGACGAGAGGCGGGAGTCAGCCACTGCAGATGCTGGCTATGCCATCCTC[GAGA>G]AGAAGGTGTGTTGGGGCCACCCCCCTGCACCCTGCCCCACAATCTTGTCCTTCCTTTGGG-3'

ClinVar aggregate classification (germline): Uncertain significance (1 of 4 stars; one submission).

Conditions:
TARP syndrome (TARPS). Also called: PIERRE ROBIN SYNDROME WITH CONGENITAL HEART MALFORMATION AND CLUBFOOT; TALIPES EQUINOVARUS, ATRIAL SEPTAL DEFECT, ROBIN SEQUENCE, AND PERSISTENCE OF LEFT SUPERIOR VENA CAVA. Identifiers: Orphanet 2886, MedGen C1839463, MONDO:0010711, OMIM 311900.

Submission:

Juno Genomics, Hangzhou Juno Genomics, Inc
Classification: Uncertain significance for TARP syndrome. Review status: criteria provided, single submitter. Criteria: ACMG Guidelines, 2015. Collection method: clinical testing. Allele origin: germline.
Comment: Absent from controls (or at extremely low frequency if recessive) in Genome Aggregation Database.;Protein length changes due to in-frame deletions/insertions in a non-repeat region or stop-loss variants.